The following is an entry in ClinVar:

NM_001300942.2(EMSY):c.2261T>C (p.Val754Ala)

Gene: EMSY (EMSY transcriptional repressor, BRCA2 interacting; plus strand). Cytogenetic location: 11q13.5.
Variant type: single nucleotide variant.
Coding change: c.2261T>C on transcript NM_001300942.2 (MANE Select); coding-DNA position 2261, T replaced by C.
Protein change: p.Val754Ala; replaces valine 754 with alanine.
Molecular consequence: missense variant.
Genome position (GRCh38, 1-based): chr11:76,535,916, T>C. VCF-style: chr11-76535916-T-C. GRCh37 (hg19) VCF-style: chr11-76246960-T-C.
Other names: c.2219T>C, p.Val740Ala (NM_001300943.2); c.2261T>C, p.Val754Ala (NM_001300944.2); c.2216T>C, p.Val739Ala (NM_020193.5); short protein forms V739A, V740A, V754A.
Identifiers: ClinVar variation 3030378 (VCV003030378.2), dbSNP rs569041290, ClinGen allele CA6194092.
Genomic context (GRCh38, chr11:76,535,916, plus strand): 5'-GTTTATAGGGTTTGTTTTTTTTTAACTAATATAAAACAGATTCCCAGCCTGTAGTTCATG[T>C]AATTGCTTCCCGGCGTCAGGATTGGTCAGAACATGAGATTGCAATGGAGACTAGCCCTAC-3'
Protein context (NP_001287871.1, residues 744-764): SSQDSQPVVH[Val754Ala]IASRRQDWSE

ClinVar aggregate classification (germline): Likely benign (0 of 4 stars; one submission).

Conditions:
EMSY-related disorder. Also called: EMSY-related condition.

Allele frequency attached by ClinVar (database versions not stated): gnomAD exomes 0.00007; gnomAD 0.00012; 1000 Genomes Project 30x 0.00016; 1000 Genomes Project 0.00020; TOPMed 0.00026; ExAC 0.00038.
gnomAD v4.1: 110 of 1,549,036 alleles (0.0071%); highest among the groups gnomAD compares: East Asian, 0.25%; 1 homozygote.

Submission:

PreventionGenetics, part of Exact Sciences
Classification: Likely benign for EMSY-related condition. Last evaluated: 2022-03-16. Review status: no assertion criteria provided. Collection method: clinical testing. Allele origin: germline.
Comment: This variant is classified as likely benign based on ACMG/AMP sequence variant interpretation guidelines (Richards et al. 2015 PMID: 25741868, with internal and published modifications).